The following is an entry in ClinVar:

ClinVar aggregate classification (germline): Likely pathogenic. Review status: criteria provided, multiple submitters, no conflicts (2 of 4 stars). 2 submissions from 2 submitters: Likely pathogenic (2). Last evaluated 2024-10-18.

Conditions:
Dilated cardiomyopathy 1G (CMD1G). Identifiers: Orphanet 154, MedGen C1858763, MONDO:0011400, OMIM 604145.
Autosomal recessive limb-girdle muscular dystrophy type 2J (LGMDR10). Also called: Limb-girdle muscular dystrophy, type 2J; MUSCULAR DYSTROPHY, LIMB-GIRDLE, AUTOSOMAL RECESSIVE 10. Identifiers: Orphanet 140922, MedGen C1837342, MONDO:0012127, OMIM 608807.
Primary dilated cardiomyopathy (DCM). Also called: Dilated Cardiomyopathy. Identifiers: Orphanet 217604, MedGen C0007193, MeSH D002311, MONDO:0005021, HP:0001644. Inheritance: Various modes of inheritance.

Submissions (2):

Labcorp Genetics (formerly Invitae), Labcorp
Classification: Likely pathogenic for Dilated cardiomyopathy 1G; Autosomal recessive limb-girdle muscular dystrophy type 2J. Last evaluated: 2024-10-18. Review status: criteria provided, single submitter. Criteria: Invitae Variant Classification Sherloc (09022015). Collection method: clinical testing. Allele origin: germline.
Comment: This sequence change creates a premature translational stop signal (p.Ala14213Leufs*6) in the TTN gene. While this is not anticipated to result in nonsense mediated decay, it is expected to create a truncated TTN protein. This variant is not present in population databases (gnomAD no frequency). This variant has not been observed in the literature in individuals with autosomal recessive TTN-related conditions. This variant has been reported in individual(s) with dilated cardiomyopathy (PMID: 25589632); however, the role of the variant in this condition is currently unclear. ClinVar contains an entry for this variant (Variation ID: 223368). This variant is located in the I band of TTN (PMID: 25589632). Truncating variants in this region have been reported in individuals affected with autosomal recessive centronuclear myopathy (PMID: 23975875, internal data). Truncating variants in this region have also been identified in individuals affected with autosomal dominant dilated cardiomyopathy and/or cardio-related conditions (PMID: 27869827, 32964742, internal data). In summary, the currently available evidence indicates that the variant is pathogenic, but additional data are needed to prove that conclusively. Therefore, this variant has been classified as Likely Pathogenic.

Cardiovascular Biomedical Research Unit, Royal Brompton & Harefield NHS Foundation Trust
Classification: Likely pathogenic for Primary dilated cardiomyopathy. Last evaluated: 2014-10-08. Review status: criteria provided, single submitter. Criteria: Roberts et al. 2015. Collection method: research. Allele origin: germline. Inheritance: Autosomal dominant inheritance. Affected: yes. Observed: 1 variant allele. Study: Familial DCM.
Comment: In the seven cohorts assessed, TTNtv were found in 14% of ambulant DCM, 22% end-stage or familial DCM, and 2% controls. Heterozygous nonsense, frameshift and canonical splice-disrupting variants found in constitutive and other highly utilised exons are highly likely to be pathogenic when identified in individuals with phenotypically confirmed DCM. TTNtv found incidentally in healthy individuals (excluding familial assessment of DCM relatives) are thought to have low penetrance, particularly when identified in exons that are not constitutively expressed in the heart.

Literature cited by the submitters: PubMed 25589632 (cited by Labcorp Genetics (formerly Invitae), Labcorp); PubMed 23975875 (cited by Labcorp Genetics (formerly Invitae), Labcorp); PubMed 27869827 (cited by Labcorp Genetics (formerly Invitae), Labcorp); PubMed 32964742 (cited by Labcorp Genetics (formerly Invitae), Labcorp).

NM_001267550.2(TTN):c.42636del (p.Ala14213fs)

Gene: TTN (titin; minus strand). Cytogenetic location: 2q31.2.
Variant type: Deletion.
Coding change: c.42636del on transcript NM_001267550.2 (MANE Select); coding-DNA position 42636, one base deleted (A; older notation c.42636delA).
Protein change: p.Ala14213fs; shifts the reading frame from alanine 14213.
Molecular consequence: frameshift variant.
Genome position (GRCh38, 1-based): chr2:178,633,863, T deleted on the plus strand (A on the coding strand, the reverse complement: TTN is on the minus strand); the first of 4 consecutive T bases (chr2:178,633,863-178,633,866); deleting any one gives the same sequence. VCF-style (leftmost placement, unchanged base first): chr2-178633862-CT-C. GRCh37 (hg19) VCF-style: chr2-179498589-CT-C.
Other names: c.37713del, p.Ala12572fs (NM_001256850.1); c.15441del, p.Ala5148fs (NM_003319.4); c.34932del, p.Ala11645fs (NM_133378.4); c.15816del, p.Ala5273fs (NM_133432.3); c.16017del, p.Ala5340fs (NM_133437.4); c.42636del (LRG_391t1); short protein forms A14213fs, A5148fs, A5340fs, A5273fs, A12572fs, A11645fs.
Identifiers: ClinVar variation 223368 (VCV000223368.6), dbSNP rs869312106, ClinGen allele CA353196.